The following is an entry in ClinVar:

NM_000214.3(JAG1):c.767G>T (p.Gly256Val)

Gene: JAG1 (jagged canonical Notch ligand 1; minus strand). Cytogenetic location: 20p12.2.
Variant type: single nucleotide variant.
Coding change: c.767G>T on transcript NM_000214.3 (MANE Select); coding-DNA position 767, G replaced by T.
Protein change: p.Gly256Val; replaces glycine 256 with valine.
Molecular consequence: missense variant.
Genome position (GRCh38, 1-based): chr20:10,652,587, C>A on the plus strand (G>T on the coding strand, the complement: JAG1 is on the minus strand). VCF-style: chr20-10652587-C-A. GRCh37 (hg19) VCF-style: chr20-10633235-C-A.
Other names: short protein forms G256V.
Identifiers: ClinVar variation 3573091 (VCV003573091.2).

Conditions:
Arteriohepatic dysplasia. Also called: Alagille Syndrome. Identifiers: Orphanet 52, MedGen C0085280, MeSH D016738, MONDO:0007318.

Submission:

Gilbert/Spinner Lab, Children's Hospital of Philadelphia
No classification provided (evidence only). Condition: Alagille syndrome. Review status: no classification provided. Collection method: research. Allele origin: not applicable. Functional consequence: functionally_abnormal.
ClinVar note: "not provided" was previously submitted as the classification for the variant. However, the classification appeared to be based only on an observation of functional data so it was converted to no classification on 2025-07-30.